The following is an entry in ClinVar:

ClinVar aggregate classification (germline): Likely benign (1 of 4 stars; one submission).

Submission:

CeGaT Center for Human Genetics Tuebingen
Classification: Likely benign. Last evaluated: 2022-03-01. Review status: criteria provided, single submitter. Criteria: CeGaT Center For Human Genetics Tuebingen Variant Classification Criteria Version 2. Collection method: clinical testing. Allele origin: germline. Affected: yes. Observed: 1 variant allele.
Comment: USP17L8: BP4, BP7

NM_001256872.1(USP17L8):c.75A>T (p.Pro25=)

Genes: FAM66E (family with sequence similarity 66 member E; plus strand), USP17L8 (ubiquitin specific peptidase 17 like family member 8; minus strand). Cytogenetic location: 8p23.1.
Variant type: single nucleotide variant.
Coding change: c.75A>T on transcript NM_001256872.1 (MANE Select); coding-DNA position 75, A replaced by T.
Protein change: p.Pro25=; no amino-acid change (proline 25 retained).
Molecular consequence: synonymous variant.
Genome position (GRCh38, 1-based): chr8:7,973,179, T>A on the plus strand (A>T on the coding strand, the complement: USP17L8 is on the minus strand). VCF-style: chr8-7973179-T-A. GRCh37 (hg19) VCF-style: chr8-7830701-T-A.
Identifiers: ClinVar variation 2658366 (VCV002658366.24), dbSNP rs62641384, ClinGen allele CA4616830.